The following is an entry in ClinVar:

NM_014727.3(KMT2B):c.2916C>T (p.Cys972=)

Gene: KMT2B (lysine methyltransferase 2B; plus strand). Cytogenetic location: 19q13.12.
Variant type: single nucleotide variant.
Coding change: c.2916C>T on transcript NM_014727.3 (MANE Select); coding-DNA position 2916, C replaced by T.
Protein change: p.Cys972=; no amino-acid change (cysteine 972 retained).
Molecular consequence: synonymous variant.
Genome position (GRCh38, 1-based): chr19:35,723,188, C>T. VCF-style: chr19-35723188-C-T. GRCh37 (hg19) VCF-style: chr19-36214090-C-T.
Identifiers: ClinVar variation 3025909 (VCV003025909.22), dbSNP rs2513323447, ClinGen allele CA507306669.

ClinVar aggregate classification (germline): Likely benign (1 of 4 stars; one submission).

Submission:

CeGaT Center for Human Genetics Tuebingen
Classification: Likely benign. Last evaluated: 2024-01-01. Review status: criteria provided, single submitter. Criteria: CeGaT Center For Human Genetics Tuebingen Variant Classification Criteria Version 2. Collection method: clinical testing. Allele origin: germline. Affected: yes. Observed: 1 variant allele.
Comment: KMT2B: PM2:Supporting, BP4, BP7